The following is an entry in ClinVar:

ClinVar aggregate classification (germline): Uncertain significance. Review status: criteria provided, multiple submitters, no conflicts (2 of 4 stars). 2 submissions from 2 submitters: Uncertain significance (2). Last evaluated 2025-11-08.

Conditions:
Inborn genetic diseases. Identifiers: MedGen C0950123, MeSH D030342.

Allele frequency attached by ClinVar (database versions not stated): TOPMed below 0.00001; gnomAD 0.00001; gnomAD exomes 0.00001.
gnomAD v4.1: 5 of 1,207,423 alleles (0.00041%); highest among the groups gnomAD compares: Non-Finnish European, 0.00056%; no homozygotes.

Submissions (2):

Ambry Genetics
Classification: Uncertain significance for Inborn genetic diseases. Last evaluated: 2025-11-08. Review status: criteria provided, single submitter. Criteria: Ambry Variant Classification Scheme 2023. Collection method: clinical testing. Allele origin: germline.

Labcorp Genetics (formerly Invitae), Labcorp
Classification: Uncertain significance. Last evaluated: 2023-11-10. Review status: criteria provided, single submitter. Criteria: Invitae Variant Classification Sherloc (09022015). Collection method: clinical testing. Allele origin: germline.
Comment: This sequence change replaces glycine, which is neutral and non-polar, with serine, which is neutral and polar, at codon 296 of the NYX protein (p.Gly296Ser). This variant is not present in population databases (gnomAD no frequency). This variant has not been reported in the literature in individuals affected with NYX-related conditions. Advanced modeling of protein sequence and biophysical properties (such as structural, functional, and spatial information, amino acid conservation, physicochemical variation, residue mobility, and thermodynamic stability) performed at Invitae indicates that this missense variant is not expected to disrupt NYX protein function with a negative predictive value of 80%. In summary, the available evidence is currently insufficient to determine the role of this variant in disease. Therefore, it has been classified as a Variant of Uncertain Significance.

NM_001378477.3(NYX):c.871G>A (p.Gly291Ser)

Gene: NYX (nyctalopin; plus strand). Cytogenetic location: Xp11.4.
Variant type: single nucleotide variant.
Coding change: c.871G>A on transcript NM_001378477.3 (MANE Select); coding-DNA position 871, G replaced by A.
Protein change: p.Gly291Ser; replaces glycine 291 with serine.
Molecular consequence: missense variant.
Genome position (GRCh38, 1-based): chrX:41,474,339, G>A. VCF-style: chrX-41474339-G-A. GRCh37 (hg19) VCF-style: chrX-41333592-G-A.
Other names: c.871G>A, p.Gly291Ser (NM_022567.3); c.886G>A (NM_022567.2); short protein forms G291S.
Identifiers: ClinVar variation 2789184 (VCV002789184.4), dbSNP rs2064379362, ClinGen allele CA412991524.
Genomic context (GRCh38, chrX:41,474,339, plus strand): 5'-GACCTGGCCGAGCTCGAGCTGCTCTACCTGGACCGCAACAGCATCGCCTTCGTGGAGGAG[G>A]GCGCCTTCCAGAACCTCTCGGGTCTCCTCGCGCTGCACCTCAACGGCAACCGCCTCACCG-3'
Protein context (NP_001365406.2, residues 281-301): DRNSIAFVEE[Gly291Ser]AFQNLSGLLA